The following is an entry in ClinVar:

NM_024675.4(PALB2):c.2748+13C>G

Gene: PALB2 (partner and localizer of BRCA2; minus strand). Cytogenetic location: 16p12.2.
Variant type: single nucleotide variant.
Coding change: c.2748+13C>G on transcript NM_024675.4 (MANE Select); 13 bases into the intron after coding-DNA position 2748, C replaced by G.
Molecular consequence: intron variant.
Genome position (GRCh38, 1-based): chr16:23,626,223, G>C on the plus strand (C>G on the coding strand, the complement: PALB2 is on the minus strand). VCF-style: chr16-23626223-G-C. GRCh37 (hg19) VCF-style: chr16-23637544-G-C.
Identifiers: ClinVar variation 372046 (VCV000372046.20), dbSNP rs771355581, ClinGen allele CA7963502.

ClinVar aggregate classification (germline): Likely benign. Review status: criteria provided, multiple submitters, no conflicts (2 of 4 stars). 5 submissions from 5 submitters: Likely benign (4). 1 of the submissions does not count toward it. Last evaluated 2025-03-04.

Conditions:
Hereditary cancer-predisposing syndrome. Also called: Tumor predisposition; Hereditary neoplastic syndrome; Neoplastic Syndromes, Hereditary; Hereditary Cancer Syndrome. Identifiers: Orphanet 140162, MedGen C0027672, MeSH D009386, MONDO:0015356.
Familial cancer of breast. Also called: BREAST CANCER, FAMILIAL; hereditary breast carcinoma; Hereditary breast cancer. Identifiers: Orphanet 227535, MedGen C0346153, MONDO:0016419, OMIM 114480. Disease mechanism: loss of function.

Allele frequency attached by ClinVar (database versions not stated): gnomAD exomes below 0.00001 and 0.00001; TOPMed below 0.00001; ExAC 0.00001; gnomAD 0.00001.
gnomAD v4.1: 19 of 1,614,028 alleles (0.0012%); highest among the groups gnomAD compares: Non-Finnish European, 0.0015%; no homozygotes.

Submissions (5):

Center for Genomic Medicine, Rigshospitalet, Copenhagen University Hospital
Classification: Likely benign. Last evaluated: 2025-03-04. Review status: criteria provided, single submitter. Criteria: ACMG Guidelines, 2015. Collection method: clinical testing. Allele origin: germline.

Labcorp Genetics (formerly Invitae), Labcorp
Classification: Likely benign for Familial cancer of breast. Last evaluated: 2025-03-02. Review status: criteria provided, single submitter. Criteria: Invitae Variant Classification Sherloc (09022015). Collection method: clinical testing. Allele origin: germline.

GeneDx
Classification: Likely benign. Last evaluated: 2017-09-26. Review status: criteria provided, single submitter. Criteria: GeneDx Variant Classification (06012015). Collection method: clinical testing. Allele origin: germline. Affected: yes.
Comment: This variant is considered likely benign or benign based on one or more of the following criteria: it is a conservative change, it occurs at a poorly conserved position in the protein, it is predicted to be benign by multiple in silico algorithms, and/or has population frequency not consistent with disease.

Color Diagnostics, LLC DBA Color Health
Classification: Likely benign for Hereditary cancer-predisposing syndrome. Last evaluated: 2017-03-16. Review status: criteria provided, single submitter. Criteria: ACMG Guidelines, 2015. Collection method: clinical testing. Allele origin: germline.

Counsyl
Classification: Likely benign for Familial cancer of breast. Last evaluated: 2016-10-26. Review status: no assertion criteria provided. Collection method: clinical testing. Allele origin: unknown. Not counted in ClinVar's aggregate classification.